The following is an entry in ClinVar:

NM_212482.4(FN1):c.688A>G (p.Arg230Gly)

Gene: FN1 (fibronectin 1; minus strand). Cytogenetic location: 2q35.
Variant type: single nucleotide variant.
Coding change: c.688A>G on transcript NM_212482.4 (MANE Select); coding-DNA position 688, A replaced by G.
Protein change: p.Arg230Gly; replaces arginine 230 with glycine.
Molecular consequence: missense variant.
Genome position (GRCh38, 1-based): chr2:215,428,336, T>C on the plus strand (A>G on the coding strand, the complement: FN1 is on the minus strand). VCF-style: chr2-215428336-T-C. GRCh37 (hg19) VCF-style: chr2-216293059-T-C.
Other names: c.688A>G, p.Arg230Gly (NM_001306129.2, NM_001306130.2, NM_001306131.2 and 14 more transcripts); short protein forms R230G.
Identifiers: ClinVar variation 2757871 (VCV002757871.3), dbSNP rs2470467722, ClinGen allele CA350474433.
Genomic context (GRCh38, chr2:215,428,336, plus strand): 5'-CCTTCTTGCTCCAGGTGTCTCCAATTCTATAGGATGTCCTTGTGTCCTGATCGTTGCATC[T>C]ATCTGTGTCACAAAGGAAGCACATACATACATCAGGTCGAGAGTCGCAAGTGGTCAATTC-3'
Protein context (NP_997647.2, residues 220-240): SGRITCTSRN[Arg230Gly]CNDQDTRTSY

ClinVar aggregate classification (germline): Uncertain significance (1 of 4 stars; one submission).

Submission:

Labcorp Genetics (formerly Invitae), Labcorp
Classification: Uncertain significance. Last evaluated: 2023-09-04. Review status: criteria provided, single submitter. Criteria: Invitae Variant Classification Sherloc (09022015). Collection method: clinical testing. Allele origin: germline.
Comment: This sequence change replaces arginine, which is basic and polar, with glycine, which is neutral and non-polar, at codon 230 of the FN1 protein (p.Arg230Gly). In summary, the available evidence is currently insufficient to determine the role of this variant in disease. Therefore, it has been classified as a Variant of Uncertain Significance. Algorithms developed to predict the effect of sequence changes on RNA splicing suggest that this variant may disrupt the consensus splice site. An algorithm developed to predict the effect of missense changes on protein structure and function (PolyPhen-2) suggests that this variant is likely to be disruptive. This variant has not been reported in the literature in individuals affected with FN1-related conditions. This variant is not present in population databases (gnomAD no frequency).